The following is an entry in ClinVar:

ClinVar aggregate classification (germline): Uncertain significance (1 of 4 stars; one submission).

Submission:

GeneDx
Classification: Uncertain significance. Last evaluated: 2024-02-20. Review status: criteria provided, single submitter. Criteria: GeneDx Variant Classification Process June 2021. Collection method: clinical testing. Allele origin: germline. Affected: yes.
Comment: Not observed at significant frequency in large population cohorts (gnomAD); In silico analysis supports that this missense variant does not alter protein structure/function; Has not been previously published as pathogenic or benign to our knowledge

NM_000834.5(GRIN2B):c.3935A>G (p.Lys1312Arg)

Gene: GRIN2B (glutamate ionotropic receptor NMDA type subunit 2B; minus strand). Cytogenetic location: 12p13.1.
Variant type: single nucleotide variant.
Coding change: c.3935A>G on transcript NM_000834.5 (MANE Select); coding-DNA position 3935, A replaced by G.
Protein change: p.Lys1312Arg; replaces lysine 1312 with arginine.
Molecular consequence: missense variant.
Genome position (GRCh38, 1-based): chr12:13,563,303, T>C on the plus strand (A>G on the coding strand, the complement: GRIN2B is on the minus strand). VCF-style: chr12-13563303-T-C. GRCh37 (hg19) VCF-style: chr12-13716237-T-C.
Other names: c.3935A>G, p.Lys1312Arg (NM_001413992.1); short protein forms K1312R.
Identifiers: ClinVar variation 3369321 (VCV003369321.1).